The following is an entry in ClinVar:

NM_000038.6(APC):c.3836C>A (p.Ser1279Tyr)

Gene: APC (APC regulator of Wnt signaling pathway; plus strand). Cytogenetic location: 5q22.2.
Variant type: single nucleotide variant.
Coding change: c.3836C>A on transcript NM_000038.6 (MANE Select); coding-DNA position 3836, C replaced by A.
Protein change: p.Ser1279Tyr; replaces serine 1279 with tyrosine.
Molecular consequence: missense variant.
Genome position (GRCh38, 1-based): chr5:112,839,430, C>A. VCF-style: chr5-112839430-C-A. GRCh37 (hg19) VCF-style: chr5-112175127-C-A.
Other names: c.3836C>A, p.Ser1279Tyr (NM_001127510.3, NM_001354895.2, NM_001407450.1); c.3782C>A, p.Ser1261Tyr (NM_001127511.3); c.3890C>A, p.Ser1297Tyr (NM_001354896.2, NM_001407447.1, NM_001407448.1 and 1 more transcripts); c.3866C>A, p.Ser1289Tyr (NM_001354897.2); c.3761C>A, p.Ser1254Tyr (NM_001354898.2); c.3752C>A, p.Ser1251Tyr (NM_001354899.2); c.3713C>A, p.Ser1238Tyr (NM_001354900.2); c.3659C>A, p.Ser1220Tyr (NM_001354901.2, NM_001407453.1); and 11 more; short protein forms S1150Y, S1238Y, S1279Y, S1307Y, S996Y, S1153Y, S1178Y, S1188Y.
Identifiers: ClinVar variation 1735382 (VCV001735382.2), dbSNP rs2149900071, ClinGen allele CA16029747.
Genomic context (GRCh38, chr5:112,839,430, plus strand): 5'-TACAGACTTATTGTGTAGAAGATACTCCAATATGTTTTTCAAGATGTAGTTCATTATCAT[C>A]TTTGTCATCAGCTGAAGATGAAATAGGATGTAATCAGACGACACAGGAAGCAGATTCTGC-3'
Protein context (NP_000029.2, residues 1269-1289): ICFSRCSSLS[Ser1279Tyr]LSSAEDEIGC

ClinVar aggregate classification (germline): Uncertain significance (1 of 4 stars; one submission).

Conditions:
Hereditary cancer-predisposing syndrome. Also called: Neoplastic Syndromes, Hereditary; Tumor predisposition; Hereditary Cancer Syndrome; Hereditary neoplastic syndrome. Identifiers: Orphanet 140162, MedGen C0027672, MeSH D009386, MONDO:0015356.

Submission:

Ambry Genetics
Classification: Uncertain significance for Hereditary cancer-predisposing syndrome. Last evaluated: 2022-01-19. Review status: criteria provided, single submitter. Criteria: Ambry Variant Classification Scheme 2023. Collection method: clinical testing. Allele origin: germline.
Comment: The p.S1279Y variant (also known as c.3836C>A), located in coding exon 15 of the APC gene, results from a C to A substitution at nucleotide position 3836. The serine at codon 1279 is replaced by tyrosine, an amino acid with dissimilar properties. This amino acid position is conserved. In addition, in silico predictors for this gene do not accurately predict pathogenicity. Since supporting evidence is limited at this time, the clinical significance of this alteration remains unclear.